The following is an entry in ClinVar:

ClinVar aggregate classification (germline): Uncertain significance (1 of 4 stars; one submission).

Submission:

Labcorp Genetics (formerly Invitae), Labcorp
Classification: Uncertain significance. Last evaluated: 2020-08-20. Review status: criteria provided, single submitter. Criteria: Invitae Variant Classification Sherloc (09022015). Collection method: clinical testing. Allele origin: germline.
Comment: This sequence change replaces phenylalanine with tyrosine at codon 1463 of the SCN3A protein (p.Phe1463Tyr). The phenylalanine residue is moderately conserved and there is a small physicochemical difference between phenylalanine and tyrosine. This variant is not present in population databases (ExAC no frequency). This variant has not been reported in the literature in individuals with SCN3A-related conditions. Algorithms developed to predict the effect of missense changes on protein structure and function are either unavailable or do not agree on the potential impact of this missense change (SIFT: "Tolerated"; PolyPhen-2: "Probably Damaging"; Align-GVGD: "Class C0"). In summary, the available evidence is currently insufficient to determine the role of this variant in disease. Therefore, it has been classified as a Variant of Uncertain Significance.

NM_006922.4(SCN3A):c.4388T>A (p.Phe1463Tyr)

Gene: SCN3A (sodium voltage-gated channel alpha subunit 3; minus strand). Cytogenetic location: 2q24.3.
Variant type: single nucleotide variant.
Coding change: c.4388T>A on transcript NM_006922.4 (MANE Select); coding-DNA position 4388, T replaced by A.
Protein change: p.Phe1463Tyr; replaces phenylalanine 1463 with tyrosine.
Molecular consequence: missense variant.
Genome position (GRCh38, 1-based): chr2:165,095,554, A>T on the plus strand (T>A on the coding strand, the complement: SCN3A is on the minus strand). VCF-style: chr2-165095554-A-T. GRCh37 (hg19) VCF-style: chr2-165952064-A-T.
Other names: c.4241T>A, p.Phe1414Tyr (NM_001081676.2, NM_001081677.2); short protein forms F1414Y, F1463Y.
Identifiers: ClinVar variation 1053938 (VCV001053938.9), dbSNP rs2105640756, ClinGen allele CA349023217.